The following is an entry in ClinVar:

NM_017802.4(DNAAF5):c.1976C>T (p.Ala659Val)

Gene: DNAAF5 (dynein axonemal assembly factor 5; plus strand). Cytogenetic location: 7p22.3.
Variant type: single nucleotide variant.
Coding change: c.1976C>T on transcript NM_017802.4 (MANE Select); coding-DNA position 1976, C replaced by T.
Protein change: p.Ala659Val; replaces alanine 659 with valine.
Molecular consequence: missense variant. On other transcripts: non-coding transcript variant (1).
Genome position (GRCh38, 1-based): chr7:774,092, C>T. VCF-style: chr7-774092-C-T. GRCh37 (hg19) VCF-style: chr7-813729-C-T.
Other names: short protein forms A659V.
Identifiers: ClinVar variation 454856 (VCV000454856.9), dbSNP rs137924231, ClinGen allele CA4111031.

ClinVar aggregate classification (germline): Conflicting classifications of pathogenicity. Review status: criteria provided, conflicting classifications (1 of 4 stars). 2 submissions from 2 submitters: Uncertain significance (1); Likely benign (1). Last evaluated 2022-07-19.

Conditions:
Primary ciliary dyskinesia. Also called: Ciliary dyskinesia. Identifiers: Orphanet 244, MedGen C0008780, MONDO:0016575, HP:0012265.

Allele frequency attached by ClinVar (database versions not stated): gnomAD exomes 0.00001 and 0.00002; ExAC 0.00002; gnomAD 0.00005 and 0.00006; ESP Exome Variant Server 0.00008; TOPMed 0.00010.

Submissions (2):

Labcorp Genetics (formerly Invitae), Labcorp
Classification: Uncertain significance for Primary ciliary dyskinesia. Last evaluated: 2022-07-19. Review status: criteria provided, single submitter. Criteria: Invitae Variant Classification Sherloc (09022015). Collection method: clinical testing. Allele origin: germline.
Comment: This sequence change replaces alanine, which is neutral and non-polar, with valine, which is neutral and non-polar, at codon 659 of the DNAAF5 protein (p.Ala659Val). This variant is present in population databases (rs137924231, gnomAD 0.02%). This variant has not been reported in the literature in individuals affected with DNAAF5-related conditions. ClinVar contains an entry for this variant (Variation ID: 454856). Algorithms developed to predict the effect of missense changes on protein structure and function output the following: SIFT: "Tolerated"; PolyPhen-2: "Benign"; Align-GVGD: "Class C0". The valine amino acid residue is found in multiple mammalian species, which suggests that this missense change does not adversely affect protein function. In summary, the available evidence is currently insufficient to determine the role of this variant in disease. Therefore, it has been classified as a Variant of Uncertain Significance.

Ambry Genetics
Classification: Likely benign for Primary ciliary dyskinesia. Last evaluated: 2021-12-29. Review status: criteria provided, single submitter. Criteria: Ambry Variant Classification Scheme 2023. Collection method: clinical testing. Allele origin: germline.